The following is an entry in ClinVar:

ClinVar aggregate classification (germline): Uncertain significance (1 of 4 stars; one submission).

Submission:

Women's Health and Genetics/Laboratory Corporation of America, LabCorp
Classification: Uncertain significance. Last evaluated: 2026-06-19. Review status: criteria provided, single submitter. Criteria: LabCorp Variant Classification Summary - May 2015. Collection method: clinical testing. Allele origin: germline.
Comment: Variant summary: The variant involves the duplication of exons 1-2 in the ATIC gene. A presumed nomenclature of c.(?_-85)_(146+1_147-1)dup has been designated for the purposes of this classification. The exact breakpoint at the 5' end of this variant is unknown, therefore this duplication may extend upstream of the annotated region of this gene. It is predicted to duplicate a segment including the initiation codon, therefore its impact on the encoded protein is unknown. The variant was absent in 21694 control chromosomes. The available data on variant occurrences in the general population are insufficient to allow any conclusion about variant significance. To our knowledge, no occurrence of c.(?_-85)_(146+1_147-1)dup in individuals affected with ATIC-related conditions and no experimental evidence demonstrating its impact on protein function have been reported. No submitters have cited clinical-significance assessments for this variant to ClinVar. Based on the evidence outlined above, the variant was classified as uncertain significance.

NC_000002.11:g.(?_216176781)_(216177348_216182879)dup

Gene: ATIC (5-aminoimidazole-4-carboxamide ribonucleotide formyltransferase/IMP cyclohydrolase; plus strand). Cytogenetic location: 2q35.
Variant type: Duplication.
Identifiers: ClinVar variation 4887107 (VCV004887107.1).